The following is an entry in ClinVar:

NM_021098.3(CACNA1H):c.376G>T (p.Val126Phe)

Gene: CACNA1H (calcium voltage-gated channel subunit alpha1 H; plus strand). Cytogenetic location: 16p13.3.
Variant type: single nucleotide variant.
Coding change: c.376G>T on transcript NM_021098.3 (MANE Select); coding-DNA position 376, G replaced by T.
Protein change: p.Val126Phe; replaces valine 126 with phenylalanine.
Molecular consequence: missense variant.
Genome position (GRCh38, 1-based): chr16:1,195,048, G>T. VCF-style: chr16-1195048-G-T. GRCh37 (hg19) VCF-style: chr16-1245048-G-T.
Other names: c.376G>T, p.Val126Phe (NM_001005407.2); short protein forms V126F.
Identifiers: ClinVar variation 3347322 (VCV003347322.1).

ClinVar aggregate classification (germline): Uncertain significance (0 of 4 stars; one submission).

Conditions:
CACNA1H-related disorder.

Submission:

PreventionGenetics, part of Exact Sciences
Classification: Uncertain significance for CACNA1H-related condition. Last evaluated: 2024-05-20. Review status: no assertion criteria provided. Collection method: clinical testing. Allele origin: germline.
Comment: The CACNA1H c.376G>T variant is predicted to result in the amino acid substitution p.Val126Phe. To our knowledge, this variant has not been reported in the literature or in a large population database, indicating this variant is rare. At this time, the clinical significance of this variant is uncertain due to the absence of conclusive functional and genetic evidence.